The following is an entry in ClinVar:

NM_001081.4(CUBN):c.6127G>A (p.Asp2043Asn)

Gene: CUBN (cubilin; minus strand). Cytogenetic location: 10p13.
Variant type: single nucleotide variant.
Coding change: c.6127G>A on transcript NM_001081.4 (MANE Select); coding-DNA position 6127, G replaced by A.
Protein change: p.Asp2043Asn; replaces aspartic acid 2043 with asparagine.
Molecular consequence: missense variant.
Genome position (GRCh38, 1-based): chr10:16,928,301, C>T on the plus strand (G>A on the coding strand, the complement: CUBN is on the minus strand). VCF-style: chr10-16928301-C-T. GRCh37 (hg19) VCF-style: chr10-16970300-C-T.
Other names: short protein forms D2043N.
Identifiers: ClinVar variation 2135614 (VCV002135614.4), dbSNP rs2491489474, ClinGen allele CA376152274.
Genomic context (GRCh38, chr10:16,928,301, plus strand): 5'-GGATGGGCCCAGGGATCTCTCTGCCACAGAGAACTGCTAGCTGCTGGGCCAAGTTATTAT[C>T]TCCTACGTTGAAAGAAAGGGAACAACATGAAAATACATCTTGAGAATCTACTCTACAATC-3'
Protein context (NP_001072.2, residues 2033-2053): AYDSLVIRDG[Asp2043Asn]NNLAQQLAVL

ClinVar aggregate classification (germline): Uncertain significance (1 of 4 stars; one submission).

Conditions:
Imerslund-Grasbeck syndrome. Also called: Megaloblastic anemia due to inborn errors of metabolism; Imerslund-Gräsbeck syndrome; ENTEROCYTE COBALAMIN MALABSORPTION; ENTEROCYTE INTRINSIC FACTOR RECEPTOR, DEFECT OF; PERNICIOUS ANEMIA, JUVENILE, DUE TO SELECTIVE INTESTINAL MALABSORPTION OF VITAMIN B12, WITH PROTEINURIA. Identifiers: Orphanet 35858, MedGen C4551825, MONDO:0009853.

Submission:

Labcorp Genetics (formerly Invitae), Labcorp
Classification: Uncertain significance for Imerslund-Grasbeck syndrome. Last evaluated: 2022-05-08. Review status: criteria provided, single submitter. Criteria: Invitae Variant Classification Sherloc (09022015). Collection method: clinical testing. Allele origin: germline.
Comment: In summary, the available evidence is currently insufficient to determine the role of this variant in disease. Therefore, it has been classified as a Variant of Uncertain Significance. Algorithms developed to predict the effect of missense changes on protein structure and function are either unavailable or do not agree on the potential impact of this missense change (SIFT: "Deleterious"; PolyPhen-2: "Probably Damaging"; Align-GVGD: "Class C0"). This variant has not been reported in the literature in individuals affected with CUBN-related conditions. This variant is not present in population databases (gnomAD no frequency). This sequence change replaces aspartic acid, which is acidic and polar, with asparagine, which is neutral and polar, at codon 2043 of the CUBN protein (p.Asp2043Asn).